The following is an entry in ClinVar:

ClinVar aggregate classification (germline): Benign/Likely benign. Review status: criteria provided, multiple submitters, no conflicts (2 of 4 stars). 5 submissions from 5 submitters: Benign (1); Likely benign (4). Last evaluated 2025-11-06.

Conditions:
Inborn genetic diseases. Identifiers: MedGen C0950123, MeSH D030342.

Allele frequency attached by ClinVar (database versions not stated): gnomAD 0.00001 and 0.00005; TOPMed 0.00008; ESP Exome Variant Server 0.00009.
gnomAD v4.1: 49 of 1,196,291 alleles (0.0041%); highest among the groups gnomAD compares: Admixed American, 0.013%; no homozygotes.

Submissions (5):

Women's Health and Genetics/Laboratory Corporation of America, LabCorp
Classification: Likely benign. Last evaluated: 2025-11-06. Review status: criteria provided, single submitter. Criteria: LabCorp Variant Classification Summary - May 2015. Collection method: clinical testing. Allele origin: germline.
Comment: Variant summary: ABCB7 c.244G>A (p.Ala82Thr) results in a non-conservative amino acid change in the encoded protein sequence. Algorithms developed to predict the effect of missense changes on protein structure and function are either unavailable or do not agree on the potential impact of this missense change. The variant allele was found at a frequency of 5.5e-05 in 182517 control chromosomes (gnomAD v2). This frequency is not significantly higher than estimated for disease-causing variants in ABCB7, allowing no conclusion about variant significance. A total of 4 hemizygotes of this variant were also reported in gnomAD v4. To our knowledge, no occurrence of c.244G>A in individuals affected with ABCB7-related conditions and no experimental evidence demonstrating its impact on protein function have been reported. ClinVar contains an entry for this variant (Variation ID: 514604). Based on the evidence outlined above, the variant was classified as likely benign.

CeGaT Center for Human Genetics Tuebingen
Classification: Likely benign. Last evaluated: 2025-04-01. Review status: criteria provided, single submitter. Criteria: CeGaT Center For Human Genetics Tuebingen Variant Classification Criteria Version 2. Collection method: clinical testing. Allele origin: germline. Affected: yes. Observed: 2 variant alleles.
Comment: ABCB7: BP4, BS2

Ambry Genetics
Classification: Likely benign for Inborn genetic diseases. Last evaluated: 2024-11-14. Review status: criteria provided, single submitter. Criteria: Ambry Variant Classification Scheme 2023. Collection method: clinical testing. Allele origin: germline.

Labcorp Genetics (formerly Invitae), Labcorp
Classification: Benign. Last evaluated: 2023-10-23. Review status: criteria provided, single submitter. Criteria: Invitae Variant Classification Sherloc (09022015). Collection method: clinical testing. Allele origin: germline.

GeneDx
Classification: Likely benign. Last evaluated: 2019-09-17. Review status: criteria provided, single submitter. Criteria: GeneDx Variant Classification Process June 2021. Collection method: clinical testing. Allele origin: germline. Affected: yes.

NM_001271696.3(ABCB7):c.241G>A (p.Ala81Thr)

Gene: ABCB7 (ATP binding cassette subfamily B member 7; minus strand). Cytogenetic location: Xq13.3.
Variant type: single nucleotide variant.
Coding change: c.241G>A on transcript NM_001271696.3 (MANE Select); coding-DNA position 241, G replaced by A.
Protein change: p.Ala81Thr; replaces alanine 81 with threonine.
Molecular consequence: missense variant. On other transcripts: intron variant (1).
Genome position (GRCh38, 1-based): chrX:75,114,759, C>T on the plus strand (G>A on the coding strand, the complement: ABCB7 is on the minus strand). VCF-style: chrX-75114759-C-T. GRCh37 (hg19) VCF-style: chrX-74334594-C-T.
Other names: c.241G>A, p.Ala81Thr (NM_001271697.3); c.244G>A, p.Ala82Thr (NM_001271699.3, NM_004299.6); c.169-1787G>A (NM_001271698.3); short protein forms A82T, A81T.
Identifiers: ClinVar variation 514604 (VCV000514604.29), dbSNP rs147709009, ClinGen allele CA10455568.
Genomic context (GRCh38, chrX:75,114,759, plus strand): 5'-CCAAGGGTTTACAGGTTTTTCCTAGCTATATGTAGACATGTTTGCTCAATCTTACCTTTG[C>T]AGCATCTAAGAACTGTCCTGAATTGCCTTTTCCCAATCTCTGCCATGTGATACTTTTTAA-3'
Protein context (NP_001258625.1, residues 71-91): KGNSGQFLDA[Ala81Thr]KALQVWPLIE